The following is an entry in ClinVar:

ClinVar aggregate classification (germline): Uncertain significance. Review status: criteria provided, multiple submitters, no conflicts (2 of 4 stars). 2 submissions from 2 submitters: Uncertain significance (2). Last evaluated 2026-01-27.

Conditions:
Cardiovascular phenotype. Identifiers: MedGen CN230736.
RASopathy. Also called: rasopathies; Noonan spectrum disorder. Identifiers: Orphanet 536391, MedGen C5555857, MONDO:0021060.

Submissions (2):

Labcorp Genetics (formerly Invitae), Labcorp
Classification: Uncertain significance for RASopathy. Last evaluated: 2026-01-27. Review status: criteria provided, single submitter. Criteria: Invitae Variant Classification Sherloc (09022015). Collection method: clinical testing. Allele origin: germline.
Comment: This sequence change replaces arginine, which is basic and polar, with serine, which is neutral and polar, at codon 885 of the SOS1 protein (p.Arg885Ser). This variant is not present in population databases (gnomAD no frequency). This variant has not been reported in the literature in individuals affected with SOS1-related conditions. ClinVar contains an entry for this variant (Variation ID: 1370991). Invitae Evidence Modeling of protein sequence and biophysical properties (such as structural, functional, and spatial information, amino acid conservation, physicochemical variation, residue mobility, and thermodynamic stability) has been performed for this missense variant. However, the output from this modeling did not meet the statistical confidence thresholds required to predict the impact of this variant on SOS1 protein function. In summary, the available evidence is currently insufficient to determine the role of this variant in disease. Therefore, it has been classified as a Variant of Uncertain Significance.

Ambry Genetics
Classification: Uncertain significance for Cardiovascular phenotype. Last evaluated: 2023-03-18. Review status: criteria provided, single submitter. Criteria: Ambry Variant Classification Scheme 2023. Collection method: clinical testing. Allele origin: germline.
Comment: The p.R885S variant (also known as c.2655A>T), located in coding exon 16 of the SOS1 gene, results from an A to T substitution at nucleotide position 2655. The arginine at codon 885 is replaced by serine, an amino acid with dissimilar properties. This amino acid position is conserved. In addition, this alteration is predicted to be deleterious by in silico analysis. Since supporting evidence is limited at this time, the clinical significance of this alteration remains unclear.

NM_005633.4(SOS1):c.2655A>T (p.Arg885Ser)

Gene: SOS1 (SOS Ras/Rac guanine nucleotide exchange factor 1; minus strand). Cytogenetic location: 2p22.1.
Variant type: single nucleotide variant.
Coding change: c.2655A>T on transcript NM_005633.4 (MANE Select); coding-DNA position 2655, A replaced by T.
Protein change: p.Arg885Ser; replaces arginine 885 with serine.
Molecular consequence: missense variant.
Genome position (GRCh38, 1-based): chr2:39,007,049, T>A on the plus strand (A>T on the coding strand, the complement: SOS1 is on the minus strand). VCF-style: chr2-39007049-T-A. GRCh37 (hg19) VCF-style: chr2-39234190-T-A.
Other names: c.2655A>T (NM_005633.3); c.2634A>T, p.Arg878Ser (NM_001382394.1); c.2655A>T, p.Arg885Ser (NM_001382395.1); short protein forms R878S, R885S.
Identifiers: ClinVar variation 1370991 (VCV001370991.11), dbSNP rs2124503237, ClinGen allele CA346363347.